The following is an entry in ClinVar:

NM_019109.5(ALG1):c.19G>C (p.Val7Leu)

Gene: ALG1 (ALG1 chitobiosyldiphosphodolichol beta-mannosyltransferase; plus strand). Cytogenetic location: 16p13.3.
Variant type: single nucleotide variant.
Coding change: c.19G>C on transcript NM_019109.5 (MANE Select); coding-DNA position 19, G replaced by C.
Protein change: p.Val7Leu; replaces valine 7 with leucine.
Molecular consequence: missense variant.
Genome position (GRCh38, 1-based): chr16:5,071,868, G>C. VCF-style: chr16-5071868-G-C. GRCh37 (hg19) VCF-style: chr16-5121869-G-C.
Other names: short protein forms V7L.
Identifiers: ClinVar variation 1896156 (VCV001896156.2), dbSNP rs199891552, ClinGen allele CA7889633.

ClinVar aggregate classification (germline): Uncertain significance (1 of 4 stars; one submission).

Conditions:
ALG1-congenital disorder of glycosylation. Also called: CONGENITAL DISORDER OF GLYCOSYLATION, TYPE Ik; CDG Ik; ALG1-CDG. Identifiers: Orphanet 79327, MedGen C2931005, MONDO:0012052, OMIM 608540.

Submission:

Labcorp Genetics (formerly Invitae), Labcorp
Classification: Uncertain significance for ALG1-congenital disorder of glycosylation. Last evaluated: 2021-12-20. Review status: criteria provided, single submitter. Criteria: Invitae Variant Classification Sherloc (09022015). Collection method: clinical testing. Allele origin: germline.
Comment: This sequence change replaces valine, which is neutral and non-polar, with leucine, which is neutral and non-polar, at codon 7 of the ALG1 protein (p.Val7Leu). This variant is present in population databases (rs199891552, gnomAD 0.001%). This variant has not been reported in the literature in individuals affected with ALG1-related conditions. Advanced modeling of protein sequence and biophysical properties (such as structural, functional, and spatial information, amino acid conservation, physicochemical variation, residue mobility, and thermodynamic stability) performed at Invitae indicates that this missense variant is not expected to disrupt ALG1 protein function. In summary, the available evidence is currently insufficient to determine the role of this variant in disease. Therefore, it has been classified as a Variant of Uncertain Significance.